The following is an entry in ClinVar:

ClinVar aggregate classification (germline): Uncertain significance. Review status: criteria provided, multiple submitters, no conflicts (2 of 4 stars). 5 submissions from 5 submitters: Uncertain significance (5). Last evaluated 2024-11-19.

Conditions:
Hereditary nonpolyposis colorectal neoplasms. Identifiers: MedGen C0009405, MeSH D003123.
Hereditary cancer-predisposing syndrome. Also called: Hereditary Cancer Syndrome; Tumor predisposition; Neoplastic Syndromes, Hereditary; Hereditary neoplastic syndrome. Identifiers: Orphanet 140162, MedGen C0027672, MeSH D009386, MONDO:0015356.
Endometrial carcinoma. Also called: Endometrial carcinoma, somatic. Identifiers: MedGen C0476089, MONDO:0002447, OMIM 608089, HP:0012114.

Submissions (5):

Ambry Genetics
Classification: Uncertain significance for Hereditary cancer-predisposing syndrome. Last evaluated: 2024-11-19. Review status: criteria provided, single submitter. Criteria: Ambry Variant Classification Scheme 2023. Collection method: clinical testing. Allele origin: germline.
Comment: The p.P831A variant (also known as c.2491C>G), located in coding exon 4 of the MSH6 gene, results from a C to G substitution at nucleotide position 2491. The proline at codon 831 is replaced by alanine, an amino acid with highly similar properties. In addition, the in silico prediction for this alteration is inconclusive. Based on the available evidence, the clinical significance of this variant remains unclear.

Baylor Genetics
Classification: Uncertain significance for Endometrial carcinoma. Last evaluated: 2023-11-06. Review status: criteria provided, single submitter. Criteria: ACMG Guidelines, 2015. Collection method: clinical testing. Allele origin: unknown.

CeGaT Center for Human Genetics Tuebingen
Classification: Uncertain significance. Last evaluated: 2022-11-01. Review status: criteria provided, single submitter. Criteria: CeGaT Center For Human Genetics Tuebingen Variant Classification Criteria Version 2. Collection method: clinical testing. Allele origin: germline. Affected: yes. Observed: 1 variant allele.
Comment: MSH6: PM2

Labcorp Genetics (formerly Invitae), Labcorp
Classification: Uncertain significance for Hereditary nonpolyposis colorectal neoplasms. Last evaluated: 2022-06-24. Review status: criteria provided, single submitter. Criteria: Invitae Variant Classification Sherloc (09022015). Collection method: clinical testing. Allele origin: germline.
Comment: In summary, the available evidence is currently insufficient to determine the role of this variant in disease. Therefore, it has been classified as a Variant of Uncertain Significance. Advanced modeling of protein sequence and biophysical properties (such as structural, functional, and spatial information, amino acid conservation, physicochemical variation, residue mobility, and thermodynamic stability) performed at Invitae indicates that this missense variant is not expected to disrupt MSH6 protein function. ClinVar contains an entry for this variant (Variation ID: 89284). This missense change has been observed in individual(s) with suspected Lynch syndrome (PMID: 18566915). This variant is not present in population databases (gnomAD no frequency). This sequence change replaces proline, which is neutral and non-polar, with alanine, which is neutral and non-polar, at codon 831 of the MSH6 protein (p.Pro831Ala).

Quest Diagnostics Nichols Institute San Juan Capistrano
Classification: Uncertain significance. Last evaluated: 2018-07-19. Review status: criteria provided, single submitter. Criteria: Quest Diagnostics criteria. Collection method: clinical testing. Allele origin: germline.

Literature cited by the submitters: PubMed 18566915 (cited by Labcorp Genetics (formerly Invitae), Labcorp).

NM_000179.3(MSH6):c.2491C>G (p.Pro831Ala)

Gene: MSH6 (mutS homolog 6; plus strand). Cytogenetic location: 2p16.3.
Variant type: single nucleotide variant.
Coding change: c.2491C>G on transcript NM_000179.3 (MANE Select); coding-DNA position 2491, C replaced by G.
Protein change: p.Pro831Ala; replaces proline 831 with alanine.
Molecular consequence: missense variant.
Genome position (GRCh38, 1-based): chr2:47,800,474, C>G. VCF-style: chr2-47800474-C-G. GRCh37 (hg19) VCF-style: chr2-48027613-C-G.
Other names: c.2101C>G, p.Pro701Ala (NM_001281492.2); c.1585C>G, p.Pro529Ala (NM_001281493.2, NM_001281494.2); short protein forms P831A, P701A, P529A.
Identifiers: ClinVar variation 89284 (VCV000089284.36), dbSNP rs267608053, ClinGen allele CA010306.